The following is an entry in ClinVar:

NM_000179.3(MSH6):c.3508A>C (p.Ile1170Leu)

Gene: MSH6 (mutS homolog 6; plus strand). Cytogenetic location: 2p16.3.
Variant type: single nucleotide variant.
Coding change: c.3508A>C on transcript NM_000179.3 (MANE Select); coding-DNA position 3508, A replaced by C.
Protein change: p.Ile1170Leu; replaces isoleucine 1170 with leucine.
Molecular consequence: missense variant.
Genome position (GRCh38, 1-based): chr2:47,804,979, A>C. VCF-style: chr2-47804979-A-C. GRCh37 (hg19) VCF-style: chr2-48032118-A-C.
Other names: c.3118A>C, p.Ile1040Leu (NM_001281492.2); c.2602A>C, p.Ile868Leu (NM_001281493.2, NM_001281494.2); short protein forms I1170L, I1040L, I868L.
Identifiers: ClinVar variation 619541 (VCV000619541.4), dbSNP rs1558389423, ClinGen allele CA346760183.

ClinVar aggregate classification (germline): Uncertain significance. Review status: criteria provided, multiple submitters, no conflicts (2 of 4 stars). 2 submissions from 2 submitters: Uncertain significance (2). Last evaluated 2023-02-24.

Conditions:
Lynch syndrome. Identifiers: Orphanet 144, MedGen C4552100, MONDO:0005835. Disease mechanism: loss of function.

Submissions (2):

All of Us Research Program, National Institutes of Health
Classification: Uncertain significance for Lynch syndrome. Last evaluated: 2023-02-24. Review status: criteria provided, single submitter. Criteria: ACMG Guidelines, 2015. Collection method: clinical testing. Allele origin: germline. Inheritance: Autosomal dominant inheritance. Observed: 1 variant allele, 1 heterozygote.
Comment: This missense variant replaces isoleucine with leucine at codon 1170 of the MSH6 protein. Computational prediction suggests that this variant may not impact protein structure and function (internally defined REVEL score threshold <= 0.5, PMID: 27666373). To our knowledge, functional studies have not been reported for this variant. This variant has not been reported in individuals affected with MSH6-related disorders in the literature. This variant has not been identified in the general population by the Genome Aggregation Database (gnomAD). The available evidence is insufficient to determine the role of this variant in disease conclusively. Therefore, this variant is classified as a Variant of Uncertain Significance.

This study involves interpretation of variants in research participants for the purpose of population health screening. Participant phenotype was not available at the time of variant classification. Additional details can be found in publication PMID: 35346344, PMCID: PMC8962531

University of Washington Department of Laboratory Medicine, University of Washington
Classification: Uncertain significance for Lynch syndrome. Last evaluated: 2018-05-01. Review status: criteria provided, single submitter. Criteria: Shirts BH et al. (Am J Hum Genet 2018). Collection method: clinical testing. Allele origin: somatic. Affected: yes.
Comment: MSH6 NM_000179.2:c.3508A>C has a 14.6% probability of pathogenicity based on combining prior probability from public data with a likelihood ratio of 1.56 to 1, generated from evidence of seeing this as a somatic mutation in a tumor without loss of heterozygosity at the MSH6 locus. See Shirts et al 2018, PMID 29887214.